The following is an entry in ClinVar:

ClinVar aggregate classification (germline): Pathogenic (1 of 4 stars; one submission).

Conditions:
Granulomatous disease, chronic, X-linked. Also called: CYTOCHROME b-NEGATIVE GRANULOMATOUS DISEASE, CHRONIC, X-LINKED; GRANULOMATOUS DISEASE, CHRONIC, X-LINKED, SOMATIC MOSAIC. Identifiers: Orphanet 379, MedGen C1844376, MONDO:0010600, OMIM 306400.

Submission:

Labcorp Genetics (formerly Invitae), Labcorp
Classification: Pathogenic for Granulomatous disease, chronic, X-linked. Last evaluated: 2023-11-07. Review status: criteria provided, single submitter. Criteria: Invitae Variant Classification Sherloc (09022015). Collection method: clinical testing. Allele origin: germline.
Comment: This sequence change creates a premature translational stop signal (p.Gln374Argfs*12) in the CYBB gene. It is expected to result in an absent or disrupted protein product. Loss-of-function variants in CYBB are known to be pathogenic (PMID: 9585602, 20729109). This variant is not present in population databases (gnomAD no frequency). This variant has not been reported in the literature in individuals affected with CYBB-related conditions. For these reasons, this variant has been classified as Pathogenic.

Literature cited by the submitters: PubMed 9585602; PubMed 20729109.

NM_000397.4(CYBB):c.1121del (p.Gln374fs)

Gene: CYBB (cytochrome b-245 beta chain; plus strand). Cytogenetic location: Xp11.4.
Variant type: Deletion.
Coding change: c.1121del on transcript NM_000397.4 (MANE Select); coding-DNA position 1121, one base deleted (A; older notation c.1121delA).
Protein change: p.Gln374fs; shifts the reading frame from glutamine 374.
Molecular consequence: frameshift variant.
Genome position (GRCh38, 1-based): chrX:37,804,100, A deleted. VCF-style (leftmost placement, unchanged base first): chrX-37804099-CA-C. GRCh37 (hg19) VCF-style: chrX-37663352-CA-C.
Other names: short protein forms Q374fs.
Identifiers: ClinVar variation 2694032 (VCV002694032.3), dbSNP rs2519208868, ClinGen allele CA2697553036.